The following is an entry in ClinVar:

ClinVar aggregate classification (germline): Uncertain significance (1 of 4 stars; one submission).

Conditions:
Immunodeficiency 35 (IMD35). Also called: Susceptibility to infection due to TYK2 deficiency; HIES WITH ATYPICAL MYCOBACTERIOSIS, AUTOSOMAL RECESSIVE; HYPER-IgE SYNDROME WITH ATYPICAL MYCOBACTERIOSIS, AUTOSOMAL RECESSIVE; TYK2 DEFICIENCY. Identifiers: Orphanet 331226, MedGen C1969086, MONDO:0012682, OMIM 611521.

Submission:

Labcorp Genetics (formerly Invitae), Labcorp
Classification: Uncertain significance for Immunodeficiency 35. Last evaluated: 2025-09-01. Review status: criteria provided, single submitter. Criteria: Invitae Variant Classification Sherloc (09022015). Collection method: clinical testing. Allele origin: germline.
Comment: This sequence change replaces lysine, which is basic and polar, with glutamic acid, which is acidic and polar, at codon 1139 of the TYK2 protein (p.Lys1139Glu). This variant is not present in population databases (gnomAD no frequency). This variant has not been reported in the literature in individuals affected with TYK2-related conditions. Invitae Evidence Modeling of protein sequence and biophysical properties (such as structural, functional, and spatial information, amino acid conservation, physicochemical variation, residue mobility, and thermodynamic stability) indicates that this missense variant is not expected to disrupt TYK2 protein function with a negative predictive value of 80%. In summary, the available evidence is currently insufficient to determine the role of this variant in disease. Therefore, it has been classified as a Variant of Uncertain Significance.

NM_003331.5(TYK2):c.3415A>G (p.Lys1139Glu)

Gene: TYK2 (tyrosine kinase 2; minus strand). Cytogenetic location: 19p13.2.
Variant type: single nucleotide variant.
Coding change: c.3415A>G on transcript NM_003331.5 (MANE Select); coding-DNA position 3415, A replaced by G.
Protein change: p.Lys1139Glu; replaces lysine 1139 with glutamic acid.
Molecular consequence: missense variant. On other transcripts: intron variant (1).
Genome position (GRCh38, 1-based): chr19:10,351,066, T>C on the plus strand (A>G on the coding strand, the complement: TYK2 is on the minus strand). VCF-style: chr19-10351066-T-C. GRCh37 (hg19) VCF-style: chr19-10461742-T-C.
Other names: c.3319-98A>G (NM_001385197.1); c.3265A>G, p.Lys1089Glu (NM_001385198.1); c.3229A>G, p.Lys1077Glu (NM_001385199.1); c.3412A>G, p.Lys1138Glu (NM_001385200.1); c.3217A>G, p.Lys1073Glu (NM_001385201.1); c.3331A>G, p.Lys1111Glu (NM_001385202.1); c.3496A>G, p.Lys1166Glu (NM_001385203.1); c.3625A>G, p.Lys1209Glu (NM_001385204.1); and 4 more; short protein forms K1139E, K1089E, K1073E, K1077E, K1097E, K1111E, K1133E, K1209E.
Identifiers: ClinVar variation 4741952 (VCV004741952.1).